The following is an entry in ClinVar:

ClinVar aggregate classification (germline): Pathogenic/Likely pathogenic. Review status: criteria provided, multiple submitters, no conflicts (2 of 4 stars). 2 submissions from 2 submitters: Pathogenic (1); Likely pathogenic (1). Last evaluated 2024-05-01.

Conditions:
UDPglucose-4-epimerase deficiency. Also called: UDPglucose 4-Epimerase Deficiency Disease; Epimerase Deficiency Galactosemia; GALACTOSEMIA III; GALE DEFICIENCY; UDP-GALACTOSE-4-EPIMERASE DEFICIENCY; Galactose epimerase deficiency. Identifiers: Orphanet 352, Orphanet 79238, MedGen C0751161, MONDO:0009257, OMIM 230350.
Thrombocytopenia 13, syndromic. Also called: THROMBOCYTOPENIA, AUTOSOMAL RECESSIVE, 13. Identifiers: MedGen C5935599, MONDO:0958333, OMIM 620776.

Submissions (2):

Fulgent Genetics
Classification: Likely pathogenic for UDPglucose-4-epimerase deficiency; Thrombocytopenia 13, syndromic. Last evaluated: 2024-05-01. Review status: criteria provided, single submitter. Criteria: ACMG Guidelines, 2015. Collection method: clinical testing. Allele origin: germline.

Labcorp Genetics (formerly Invitae), Labcorp
Classification: Pathogenic for UDPglucose-4-epimerase deficiency. Last evaluated: 2023-11-25. Review status: criteria provided, single submitter. Criteria: Invitae Variant Classification Sherloc (09022015). Collection method: clinical testing. Allele origin: germline.
Comment: This sequence change creates a premature translational stop signal (p.Gln173Argfs*51) in the GALE gene. It is expected to result in an absent or disrupted protein product. Loss-of-function variants in GALE are known to be pathogenic (PMID: 16301867). This variant is present in population databases (no rsID available, gnomAD no frequency). This variant has not been reported in the literature in individuals affected with GALE-related conditions. For these reasons, this variant has been classified as Pathogenic.

Literature cited by the submitters: PubMed 16301867 (cited by Labcorp Genetics (formerly Invitae), Labcorp).

NM_001008216.2(GALE):c.517del (p.Gln173fs)

Gene: GALE (UDP-galactose-4-epimerase; minus strand). Cytogenetic location: 1p36.11.
Variant type: Deletion.
Coding change: c.517del on transcript NM_001008216.2 (MANE Select); coding-DNA position 517, one base deleted (C; older notation c.517delC).
Protein change: p.Gln173fs; shifts the reading frame from glutamine 173.
Molecular consequence: frameshift variant.
Genome position (GRCh38, 1-based): chr1:23,797,706, G deleted on the plus strand (C on the coding strand, the reverse complement: GALE is on the minus strand); the first of 2 consecutive G bases (chr1:23,797,706-23,797,707); deleting either gives the same sequence. VCF-style (leftmost placement, unchanged base first): chr1-23797705-TG-T. GRCh37 (hg19) VCF-style: chr1-24124195-TG-T.
Other names: c.517del, p.Gln173fs (NM_000403.4, NM_001127621.2); short protein forms Q173fs.
Identifiers: ClinVar variation 2837803 (VCV002837803.5), dbSNP rs1557479812, ClinGen allele CA521645086.
Genomic context (GRCh38, chr1:23,797,705, plus strand): 5'-GAGGAGTCCATCGATCAGTGGAGCCAGGGCACTGTCAAGGGGGCCCTCACCTTGTCTGCC[TG>T]GCACAGGTCCCGGATCATTTCCTCGATGAAGAACTTGGACTTGCCGTAAGGGTTGGTACA-3'